The following is an entry in ClinVar:

ClinVar aggregate classification (germline): Uncertain significance (1 of 4 stars; one submission).

Conditions:
PRPH2-related disorder. Also called: PRPH2-related condition; PRPH2-related disorders. Identifiers: MedGen CN239395.

Allele frequency attached by ClinVar (database versions not stated): gnomAD exomes below 0.00001.
gnomAD v4.1: 1 of 1,614,192 alleles (0.000062%); highest among the groups gnomAD compares: Non-Finnish European, 0.000085%; no homozygotes.

Submission:

Labcorp Genetics (formerly Invitae), Labcorp
Classification: Uncertain significance for PRPH2-related disorder. Last evaluated: 2024-12-09. Review status: criteria provided, single submitter. Criteria: Invitae Variant Classification Sherloc (09022015). Collection method: clinical testing. Allele origin: germline.
Comment: This sequence change replaces cysteine, which is neutral and slightly polar, with phenylalanine, which is neutral and non-polar, at codon 82 of the PRPH2 protein (p.Cys82Phe). This variant is not present in population databases (gnomAD no frequency). This variant has not been reported in the literature in individuals affected with PRPH2-related conditions. ClinVar contains an entry for this variant (Variation ID: 2717738). Invitae Evidence Modeling of protein sequence and biophysical properties (such as structural, functional, and spatial information, amino acid conservation, physicochemical variation, residue mobility, and thermodynamic stability) indicates that this missense variant is expected to disrupt PRPH2 protein function with a positive predictive value of 95%. In summary, the available evidence is currently insufficient to determine the role of this variant in disease. Therefore, it has been classified as a Variant of Uncertain Significance.

NM_000322.5(PRPH2):c.245G>T (p.Cys82Phe)

Gene: PRPH2 (peripherin 2; minus strand). Cytogenetic location: 6p21.1.
Variant type: single nucleotide variant.
Coding change: c.245G>T on transcript NM_000322.5 (MANE Select); coding-DNA position 245, G replaced by T.
Protein change: p.Cys82Phe; replaces cysteine 82 with phenylalanine.
Molecular consequence: missense variant.
Genome position (GRCh38, 1-based): chr6:42,722,090, C>A on the plus strand (G>T on the coding strand, the complement: PRPH2 is on the minus strand). VCF-style: chr6-42722090-C-A. GRCh37 (hg19) VCF-style: chr6-42689828-C-A.
Other names: short protein forms C82F.
Identifiers: ClinVar variation 2717738 (VCV002717738.3), dbSNP rs2548309832, ClinGen allele CA364138161.